The following is an entry in ClinVar:

NM_130468.4(CHST14):c.125C>T (p.Pro42Leu)

Genes: CHST14 (carbohydrate sulfotransferase 14; plus strand), LOC130056851 (ATAC-STARR-seq lymphoblastoid silent region 6336; plus strand). Cytogenetic location: 15q15.1.
Variant type: single nucleotide variant.
Coding change: c.125C>T on transcript NM_130468.4 (MANE Select); coding-DNA position 125, C replaced by T.
Protein change: p.Pro42Leu; replaces proline 42 with leucine.
Molecular consequence: missense variant.
Genome position (GRCh38, 1-based): chr15:40,471,338, C>T. VCF-style: chr15-40471338-C-T. GRCh37 (hg19) VCF-style: chr15-40763537-C-T.
Other names: short protein forms P42L.
Identifiers: ClinVar variation 1762736 (VCV001762736.2), dbSNP rs1368747984, ClinGen allele CA391763766.
Genomic context (GRCh38, chr15:40,471,338, plus strand): 5'-TGAGGCGGGCCCCTCTGGGCAGGGCCCGGGCGGGGCTGGGTGGGCCGCCCCTGCTGCTGC[C>T]GTCCATGCTGATGTTTGCGGTGATCGTGGCCTCCAGCGGGCTGCTGCTCATGATCGAGCG-3'
Protein context (NP_569735.1, residues 32-52): AGLGGPPLLL[Pro42Leu]SMLMFAVIVA

ClinVar aggregate classification (germline): Uncertain significance (1 of 4 stars; one submission).

Conditions:
Cardiovascular phenotype. Identifiers: MedGen CN230736.

Submission:

Ambry Genetics
Classification: Uncertain significance for Cardiovascular phenotype. Last evaluated: 2021-03-23. Review status: criteria provided, single submitter. Criteria: Ambry Variant Classification Scheme 2023. Collection method: clinical testing. Allele origin: germline.
Comment: The p.P42L variant (also known as c.125C>T), located in coding exon 1 of the CHST14 gene, results from a C to T substitution at nucleotide position 125. The proline at codon 42 is replaced by leucine, an amino acid with similar properties. This amino acid position is highly conserved in available vertebrate species. In addition, the in silico prediction for this alteration is inconclusive. Since supporting evidence is limited at this time, the clinical significance of this alteration remains unclear.